The following is an entry in ClinVar:

ClinVar aggregate classification (germline): Pathogenic (1 of 4 stars; one submission).

Conditions:
Hyperekplexia 3 (HKPX3). Also called: HYPEREKPLEXIA 3, AUTOSOMAL RECESSIVE; HYPEREKPLEXIA 3, AUTOSOMAL DOMINANT. Identifiers: Orphanet 3197, MedGen C3553288, MONDO:0013827, OMIM 614618.

Submission:

Labcorp Genetics (formerly Invitae), Labcorp
Classification: Pathogenic for Hyperekplexia 3. Last evaluated: 2023-10-10. Review status: criteria provided, single submitter. Criteria: Invitae Variant Classification Sherloc (09022015). Collection method: clinical testing. Allele origin: germline.
Comment: This variant is a gross deletion of the genomic region encompassing exon(s) 14 of the SLC6A5 gene. This deletion is out-of-frame, and is expected to create a premature termination codon and result in an absent or disrupted protein product. Loss-of-function variants in SLC6A5 are known to be pathogenic (PMID: 14622583, 16751771, 22700964). This variant has not been reported in the literature in individuals affected with SLC6A5-related conditions. For these reasons, this variant has been classified as Pathogenic.

Literature cited by the submitters: PubMed 14622583; PubMed 16751771; PubMed 22700964.

NC_000011.9:g.(?_20668360)_(20668500_?)del

Gene: SLC6A5 (solute carrier family 6 member 5; plus strand). Cytogenetic location: 11p15.1.
Variant type: Deletion.
Identifiers: ClinVar variation 1457616 (VCV001457616.5).